The following is an entry in ClinVar:

ClinVar aggregate classification (germline): Conflicting classifications of pathogenicity. Review status: criteria provided, conflicting classifications (1 of 4 stars). 4 submissions from 4 submitters: Uncertain significance (3); Likely benign (1). Last evaluated 2026-09-08.

Conditions:
Hereditary cancer-predisposing syndrome. Also called: Neoplastic Syndromes, Hereditary; Hereditary Cancer Syndrome; Hereditary neoplastic syndrome; Tumor predisposition. Identifiers: Orphanet 140162, MedGen C0027672, MeSH D009386, MONDO:0015356.
Peutz-Jeghers syndrome (PJS). Also called: POLYPOSIS, HAMARTOMATOUS INTESTINAL; POLYPS-AND-SPOTS SYNDROME; Peutz-Jeghers polyposis; Periorificial lentiginosis syndrome. Identifiers: Orphanet 2869, MedGen C0031269, MeSH D010580, MONDO:0008280, OMIM 175200.

Allele frequency attached by ClinVar (database versions not stated): TOPMed below 0.00001; gnomAD 0.00001.
gnomAD v4.1: 1 of 1,567,570 alleles (0.000064%); highest among the groups gnomAD compares: African/African-American, 0.0014%; no homozygotes.

Submissions (4):

Ambry Genetics
Classification: Likely benign for Hereditary cancer-predisposing syndrome. Last evaluated: 2026-09-08. Review status: criteria provided, single submitter. Criteria: Ambry Variant Classification Scheme 2023. Collection method: clinical testing. Allele origin: germline.

Labcorp Genetics (formerly Invitae), Labcorp
Classification: Uncertain significance for Peutz-Jeghers syndrome. Last evaluated: 2023-09-19. Review status: criteria provided, single submitter. Criteria: Invitae Variant Classification Sherloc (09022015). Collection method: clinical testing. Allele origin: germline.
Comment: This sequence change replaces lysine, which is basic and polar, with asparagine, which is neutral and polar, at codon 416 of the STK11 protein (p.Lys416Asn). This variant is not present in population databases (gnomAD no frequency). In summary, the available evidence is currently insufficient to determine the role of this variant in disease. Therefore, it has been classified as a Variant of Uncertain Significance. This variant has not been reported in the literature in individuals affected with STK11-related conditions. ClinVar contains an entry for this variant (Variation ID: 633438). Advanced modeling of protein sequence and biophysical properties (such as structural, functional, and spatial information, amino acid conservation, physicochemical variation, residue mobility, and thermodynamic stability) performed at Invitae indicates that this missense variant is not expected to disrupt STK11 protein function.

Genome-Nilou Lab
Classification: Uncertain significance for Peutz-Jeghers syndrome. Last evaluated: 2021-07-15. Review status: criteria provided, single submitter. Criteria: ACMG Guidelines, 2015. Collection method: clinical testing. Allele origin: germline. Affected: no.

Women's Health and Genetics/Laboratory Corporation of America, LabCorp
Classification: Uncertain significance. Last evaluated: 2018-07-13. Review status: criteria provided, single submitter. Criteria: LabCorp Variant Classification Summary - May 2015. Collection method: clinical testing. Allele origin: germline.
Comment: Variant summary: STK11 c.1248G>C (p.Lys416Asn) results in a non-conservative amino acid change in the encoded protein sequence. Three of five in-silico tools predict a damaging effect of the variant on protein function. The variant was absent in 30908 control chromosomes (in gnomAD). The available data on variant occurrences in the general population are insufficient to allow any conclusion about variant significance. To our knowledge, no occurrence of c.1248G>C in individuals affected with Peutz-Jeghers Syndrome and no experimental evidence demonstrating its impact on protein function have been reported. No clinical diagnostic laboratories have submitted clinical-significance assessments for this variant to ClinVar after 2014. Based on the evidence outlined above, the variant was classified as uncertain significance.

NM_000455.5(STK11):c.1248G>C (p.Lys416Asn)

Gene: STK11 (serine/threonine kinase 11; plus strand). Cytogenetic location: 19p13.3.
Variant type: single nucleotide variant.
Coding change: c.1248G>C on transcript NM_000455.5 (MANE Select); coding-DNA position 1248, G replaced by C.
Protein change: p.Lys416Asn; replaces lysine 416 with asparagine.
Molecular consequence: missense variant.
Genome position (GRCh38, 1-based): chr19:1,226,593, G>C. VCF-style: chr19-1226593-G-C. GRCh37 (hg19) VCF-style: chr19-1226592-G-C.
Other names: short protein forms K416N.
Identifiers: ClinVar variation 633438 (VCV000633438.16), dbSNP rs1459406168, ClinGen allele CA402954004.